The following is an entry in ClinVar:

ClinVar aggregate classification (germline): Uncertain significance. Review status: criteria provided, multiple submitters, no conflicts (2 of 4 stars). 2 submissions from 2 submitters: Uncertain significance (2). Last evaluated 2025-10-08.

Conditions:
Hereditary cancer-predisposing syndrome. Also called: Tumor predisposition; Hereditary Cancer Syndrome; Neoplastic Syndromes, Hereditary; Hereditary neoplastic syndrome. Identifiers: Orphanet 140162, MedGen C0027672, MeSH D009386, MONDO:0015356.
Tuberous sclerosis 2 (TSC2). Identifiers: Orphanet 805, MedGen C1860707, MONDO:0013199, OMIM 613254.

Submissions (2):

Ambry Genetics
Classification: Uncertain significance for Hereditary cancer-predisposing syndrome. Last evaluated: 2025-10-08. Review status: criteria provided, single submitter. Criteria: Ambry Variant Classification Scheme 2023. Collection method: clinical testing. Allele origin: germline.
Comment: The c.3360G>A (p.V1120V) alteration is located in exon 29 (coding exon 28) of the TSC2 gene. This alteration consists of a G to A substitution at nucleotide position 3360. This nucleotide substitution does not change the amino acid at codon 1120. However, this change occurs in the last nucleotide of Exon 29 (c.3285_3397) which makes it likely to have some effect on normal mRNA splicing. This variant was not reported in population-based cohorts in the Genome Aggregation Database (gnomAD). In silico splice site analysis predicts that this alteration will weaken the native splice donor site and will result in the creation or strengthening of a novel splice donor site. Based on insufficient or conflicting evidence, the clinical significance of this alteration remains unclear.

Labcorp Genetics (formerly Invitae), Labcorp
Classification: Uncertain significance for Tuberous sclerosis 2. Last evaluated: 2025-07-02. Review status: criteria provided, single submitter. Criteria: Invitae Variant Classification Sherloc (09022015). Collection method: clinical testing. Allele origin: germline.
Comment: This sequence change affects codon 1120 of the TSC2 mRNA. It is a 'silent' change, meaning that it does not change the encoded amino acid sequence of the TSC2 protein. This variant is not present in population databases (gnomAD no frequency). This variant has not been reported in the literature in individuals affected with TSC2-related conditions. Algorithms developed to predict the effect of sequence changes on RNA splicing suggest that this variant may disrupt the consensus splice site. In summary, the available evidence is currently insufficient to determine the role of this variant in disease. Therefore, it has been classified as a Variant of Uncertain Significance.

NM_000548.5(TSC2):c.3360G>A (p.Val1120=)

Gene: TSC2 (TSC complex subunit 2; plus strand). Cytogenetic location: 16p13.3.
Variant type: single nucleotide variant.
Coding change: c.3360G>A on transcript NM_000548.5 (MANE Select); coding-DNA position 3360, G replaced by A.
Protein change: p.Val1120=; no amino-acid change (valine 1120 retained).
Molecular consequence: synonymous variant. On other transcripts: non-coding transcript variant (5).
Genome position (GRCh38, 1-based): chr16:2,079,632, G>A. VCF-style: chr16-2079632-G-A. GRCh37 (hg19) VCF-style: chr16-2129633-G-A.
Other names: c.2631G>A, p.Val877= (NM_001406686.1, NM_001406685.1); c.2628G>A, p.Val876= (NM_001406687.1, NM_001406688.1, NM_001318831.2); c.2016G>A, p.Val672= (NM_001406689.1); c.1887G>A, p.Val629= (NM_001406690.1, NM_001406692.1, NM_001406693.1 and 1 more transcripts); c.1884G>A, p.Val628= (NM_001406691.1, NM_001406695.1, NM_001406696.1 and 1 more transcripts); c.1626G>A, p.Val542= (NM_001406698.1); c.3231G>A, p.Val1077= (NM_021055.3, NM_001363528.2, NM_001370405.1); c.3228G>A, p.Val1076= (NM_001077183.3, NM_001370404.1, NM_001406665.1); and 18 more.
Identifiers: ClinVar variation 4557755 (VCV004557755.2).